The following is an entry in ClinVar:

NM_001365536.1(SCN9A):c.5615C>T (p.Pro1872Leu)

Genes: SCN1A-AS1 (SCN1A and SCN9A antisense RNA 1; plus strand), SCN9A (sodium voltage-gated channel alpha subunit 9; minus strand). Cytogenetic location: 2q24.3.
Variant type: single nucleotide variant.
Coding change: c.5615C>T on transcript NM_001365536.1 (MANE Select); coding-DNA position 5615, C replaced by T.
Protein change: p.Pro1872Leu; replaces proline 1872 with leucine.
Molecular consequence: missense variant.
Genome position (GRCh38, 1-based): chr2:166,199,024, G>A on the plus strand (C>T on the coding strand, the complement: SCN9A is on the minus strand). VCF-style: chr2-166199024-G-A. GRCh37 (hg19) VCF-style: chr2-167055534-G-A.
Other names: c.5582C>T, p.Pro1861Leu (NM_002977.4); short protein forms P1861L, P1872L.
Identifiers: ClinVar variation 246528 (VCV000246528.10), dbSNP rs879254298, ClinGen allele CA10584156.

ClinVar aggregate classification (germline): Uncertain significance. Review status: criteria provided, multiple submitters, no conflicts (2 of 4 stars). 2 submissions from 2 submitters: Uncertain significance (2). Last evaluated 2017-10-18.

Conditions:
Neuropathy, hereditary sensory and autonomic, type 2A (HSAN2A). Also called: ACROOSTEOLYSIS, GIACCAI TYPE; ACROOSTEOLYSIS, NEUROGENIC; MORVAN DISEASE; NEUROPATHY, CONGENITAL SENSORY; NEUROPATHY, HEREDITARY SENSORY RADICULAR, AUTOSOMAL RECESSIVE; NEUROPATHY, HEREDITARY SENSORY, TYPE IIA. Identifiers: Orphanet 970, MedGen C2752089, MONDO:0024309, OMIM 201300.
Generalized epilepsy with febrile seizures plus, type 7 (GEFSP7). Also called: GEFS+, TYPE 7. Identifiers: Orphanet 36387, MedGen C2751778, MONDO:0013470, OMIM 613863.

Allele frequency attached by ClinVar (database versions not stated): gnomAD exomes below 0.00001; gnomAD 0.00001.
gnomAD v4.1: 5 of 1,613,988 alleles (0.00031%); highest among the groups gnomAD compares: Non-Finnish European, 0.00042%; no homozygotes.

Submissions (2):

Labcorp Genetics (formerly Invitae), Labcorp
Classification: Uncertain significance for Neuropathy, hereditary sensory and autonomic, type 2A; Generalized epilepsy with febrile seizures plus, type 7. Last evaluated: 2017-10-18. Review status: criteria provided, single submitter. Criteria: Invitae Variant Classification Sherloc (09022015). Collection method: clinical testing. Allele origin: germline.
Comment: Algorithms developed to predict the effect of missense changes on protein structure and function (SIFT, PolyPhen-2, Align-GVGD) all suggest that this variant is likely to be disruptive, but these predictions have not been confirmed by published functional studies and their clinical significance is uncertain. In summary, the available evidence is currently insufficient to determine the role of this variant in disease. Therefore, it has been classified as a Variant of Uncertain Significance. This variant has not been reported in the literature in individuals with SCN9A-related disease. ClinVar contains an entry for this variant (Variation ID: 246528). This variant is not present in population databases (ExAC no frequency). This sequence change replaces proline with leucine at codon 1861 of the SCN9A protein (p.Pro1861Leu). The proline residue is highly conserved and there is a moderate physicochemical difference between proline and leucine.

GeneDx
Classification: Uncertain significance. Last evaluated: 2016-03-22. Review status: criteria provided, single submitter. Criteria: GeneDx Variant Classification (06012015). Collection method: clinical testing. Allele origin: germline. Affected: yes.
Comment: The P1861L variant in the SCN9A gene has not been reported previously as a pathogenic variant, nor as a benign variant, to our knowledge. The P1861L variant was not observed in approximately 6,500 individuals of European and African American ancestry in the NHLBI Exome Sequencing Project, indicating it is not a common benign variant in these populations. The P1861L variant is a semi-conservative amino acid substitution, which may impact secondary protein structure as these residues differ in some properties. This substitution occurs at a position that is conserved across species. In silico analysis is inconsistent in its predictions as to whether or not the variant is damaging to the protein structure/function. We interpret P1861L as a variant of uncertain significance